The following is an entry in ClinVar:

NM_002834.5(PTPN11):c.205G>A (p.Glu69Lys)

Gene: PTPN11 (protein tyrosine phosphatase non-receptor type 11; plus strand). Cytogenetic location: 12q24.13.
Variant type: single nucleotide variant.
Coding change: c.205G>A on transcript NM_002834.5 (MANE Select); coding-DNA position 205, G replaced by A.
Protein change: p.Glu69Lys; replaces glutamic acid 69 with lysine.
Molecular consequence: missense variant.
Genome position (GRCh38, 1-based): chr12:112,450,385, G>A. VCF-style: chr12-112450385-G-A. GRCh37 (hg19) VCF-style: chr12-112888189-G-A.
Other names: c.205G>A, p.Glu69Lys (NM_001330437.2, NM_080601.3); c.202G>A, p.Glu68Lys (NM_001374625.1); short protein forms E69K, E68K.
Identifiers: ClinVar variation 224414 (VCV000224414.9), dbSNP rs397507511, ClinGen allele CA354979.

ClinVar aggregate classification (germline): Conflicting classifications of pathogenicity. Review status: criteria provided, conflicting classifications (1 of 4 stars). 4 submissions from 4 submitters: Likely pathogenic (3); Uncertain significance (1). Last evaluated 2024-08-02.
ClinVar aggregate classification (somatic clinical impact): Tier II - Potential. Review status: criteria provided, single submitter (1 of 4 stars). 3 submissions from 1 submitter. Last evaluated 2025-10-24.
ClinVar aggregate classification (oncogenicity): Likely oncogenic (1 of 4 stars; one submission).

Conditions:
Cardiovascular phenotype. Identifiers: MedGen CN230736.
Noonan syndrome 1 (NS1). Also called: FEMALE PSEUDO-TURNER SYNDROME; PTPN11-Related Noonan Syndrome; TURNER PHENOTYPE WITH NORMAL KARYOTYPE. Identifiers: Orphanet 648, MedGen C4551602, MONDO:0008104, OMIM 163950. Disease mechanism: gain of function.
Juvenile myelomonocytic leukemia (JMML). Also called: LEUKEMIA, JUVENILE MYELOMONOCYTIC, SOMATIC. Identifiers: Orphanet 86834, MedGen C0349639, MONDO:0011908, OMIM 607785, HP:0012209.
Diffuse midline glioma, H3 K27M-mutant. Identifiers: MedGen C4289688, MONDO:0957196.
Neuroblastoma (NB). Identifiers: Orphanet 635, MedGen C0027819, MeSH D009447, MONDO:0005072, HP:0003006.
Pilocytic astrocytoma. Also called: Pilocytic astrocytoma, somatic. Identifiers: Orphanet 251612, MedGen C0334583, MONDO:0016691, HP:0033680.
Neoplasm. Also called: Neoplasms; Neoplasm (disease); tumor. Identifiers: MedGen C0027651, MeSH D009369, MONDO:0005070, HP:0002664.

Submissions (8):

Center for Genomic Medicine, Rigshospitalet, Copenhagen University Hospital
Classification: Likely oncogenic for Neoplasm. Last evaluated: 2025-12-29. Review status: criteria provided, single submitter. Criteria: ClinGen/CGC/VICC Guidelines for Oncogenicity, 2022. Collection method: clinical testing. Allele origin: somatic. Affected: yes.

Institute for Genomic Medicine (IGM) Clinical Laboratory, Nationwide Children's Hospital
Classification: Tier II - Potential for Pilocytic astrocytoma. Assertion type: diagnostic. Clinical significance: supports diagnosis. Last evaluated: 2025-10-24. Review status: criteria provided, single submitter. Criteria: AMP/ASCO/CAP Guidelines, 2017. Collection method: clinical testing. Allele origin: somatic. Affected: yes.
Comment: Variant has Tier II (potential) clinical significance as a diagnostic inclusion criterion in pilocytic astrocytoma, based on the following evidence: 1) Documented in one or more cancer databases (e.g., St. Jude Pecan, COSMIC, CIViC, OncoKB). 2) Information in the literature supports potential biologic effect of variant (PMID: 15604238). 3) Diagnostic significance based on multiple small studies (Evidence Level C; PMIDs: 19621452, 23817572, 28328117, 28912153, 34303558, 32164789, 32806529, 30097824).

Institute for Genomic Medicine (IGM) Clinical Laboratory, Nationwide Children's Hospital
Classification: Tier II - Potential for Neuroblastoma. Assertion type: diagnostic. Clinical significance: supports diagnosis. Last evaluated: 2025-06-16. Review status: criteria provided, single submitter. Criteria: AMP/ASCO/CAP Guidelines, 2017. Collection method: clinical testing. Allele origin: somatic. Affected: yes.
Comment: Variant has Tier II (potential) clinical significance as a diagnostic inclusion criterion in neuroblastoma, based on the following evidence: 1) Documented in one or more cancer databases (e.g., St. Jude Pecan, COSMIC, CIViC, OncoKB). 2) Information in the literature supports potential biologic effect of variant (PMID: 15604238). 3) Diagnostic significance based on multiple small studies (Evidence Level C; PMIDs: 23334666, 33056981, 30523111, 26121087, 36973454, 40036726).

Clinical Genomics Laboratory, Washington University in St. Louis
Classification: Likely pathogenic for Juvenile myelomonocytic leukemia. Last evaluated: 2024-08-02. Review status: criteria provided, single submitter. Criteria: Leon-Quintero et al. (Clin Genet. 2025). Collection method: clinical testing. Allele origin: somatic. Affected: yes.
Comment: A PTPN11 c.205G>A (p.Glu69Lys) variant was identified at an allelic fraction consistent with somatic origin. This variant, to our knowledge, has not been reported in the medical literature in individuals with Noonan syndrome. This variant has been reported in the ClinVar database as a likely pathogenic variant by two submitters and a germline variant of uncertain significance by one submitter (ClinVar Variation ID: 224414). The PTPN11 c.205G>A (p.Glu69Lys) variant has been reported in numerous types of cancers in the cancer database COSMIC (Genomic Mutation ID: COSV61004768). It is absent from the general population (gnomAD v.4.1.0), indicating it is not a common variant. Other variants in the same codon (c.205G>C (p.Glu69Gln), c.206A>T (p.Glu69Val), c.206A>C (p.Glu69Ala) have been reported in individuals affected with Noonan syndrome (Musante L et al., PMID:12634870; Atik Tet al., PMID: 26817465; Pierpont E et al., PMID: 20186801; ClinVar ID: 1997356). This variant resides within a region, the N-SH2 domain, amino acids 1-104, of PTPN11 that is defined as a critical functional domain (Musante L et al., PMID:12634870; Gelb BD et al., PMID: 29493581; Tartaglia M et al., PMID: 11992261; Hof P et al., PMID: 9491886; Zenker M al., PMID: 15001945). Computational predictors indicate that the variant is damaging, evidence that correlates with impact to PTPN11 function. In support of this prediction, functional studies show that this variant promotes interactions between the N-SH2 domain and upstream signaling molecules by inducing a conformational change to an open state, allowing substrate entry into the catalytic site and thereby enhancing ERK signaling (Eminaga S et al., PMID: 18378677; Liu X et al., PMID: 21799948; Bocchinfuso G et al., PMID: 17177198; Fragale A et al., PMID: 14974085). The PTPN11 gene is defined by ClinGen's RASopathy expert panel as a gene with a low rate of benign missense variation and where pathogenic missense variants are a common disease mechanism (Gelb BD et al., PMID: 29493581). Based on available information and an internally developed protocol informed by the ACMG/AMP guidelines for variant interpretation and gene-specific practices from the ClinGen Criteria Specification Registry (Leon-Quintero FZ et al., PMID: 39434542), the PTPN11 c.205G>A (p.Glu69Lys) variant is classified as likely pathogenic.

Institute for Genomic Medicine (IGM) Clinical Laboratory, Nationwide Children's Hospital
Classification: Tier II - Potential for Diffuse midline glioma, H3 K27M-mutant. Assertion type: diagnostic. Clinical significance: supports diagnosis. Last evaluated: 2022-12-15. Review status: criteria provided, single submitter. Criteria: AMP/ASCO/CAP Guidelines, 2017. Collection method: clinical testing. Allele origin: somatic. Affected: yes.
Comment: Variant has Tier II (potential) clinical significance as a diagnostic inclusion criterion in diffuse midline glioma, H3 K27M-mutant, based on the following evidence: 1) Documented in one or more cancer databases (e.g., St. Jude Pecan, COSMIC, CIViC, OncoKB). 2) Information in the literature supports potential biologic effect of variant (PMID: 15604238). 3) Diagnostic significance based on multiple small studies (Evidence Level C; PMIDs: 28966033, 29763623, 28912153, 35697228).

Ambry Genetics
Classification: Uncertain significance for Cardiovascular phenotype. Last evaluated: 2017-03-10. Review status: criteria provided, single submitter. Criteria: Ambry Variant Classification Scheme 2023. Collection method: clinical testing. Allele origin: germline.
Comment: The p.E69K variant (also known as c.205G>A), located in coding exon 3 of the PTPN11 gene, results from a G to A substitution at nucleotide position 205. The glutamic acid at codon 69 is replaced by lysine, an amino acid with similar properties. This alteration has been described as an acquired somatic change in multiple cancer types, including: juvenile myelomonocytic leukemia (JMML), acute lymphoblastic leukemia (ALL), neuroblastoma, and astrocytoma (Loh ML et al. Blood, 2004 Mar;103:2325-31; Tartaglia M et al. Blood, 2004 Jul;104:307-13; Bentires-Alj M et al. Cancer Res., 2004 Dec;64:8816-20; Jones DT et al. Nat. Genet., 2013 Aug;45:927-32). In vivo functional studies have shown that this alteration results in increased and phosphatase activity compared to wild-type (Bentires-Alj M et al. Cancer Res., 2004 Dec;64:8816-20; Eminaga S et al. J. Biol. Chem., 2008 May;283:15328-38). This amino acid position is highly conserved in available vertebrate species. In addition, the in silico prediction for this alteration is inconclusive. There have been no reports of individuals clinically affected with Noonan syndrome or related disorders; since supporting evidence is limited at this time, the clinical significance of this alteration remains unclear.

Molecular Diagnostics Lab, Nemours Children's Health, Delaware
Classification: Likely pathogenic. Last evaluated: 2015-09-22. Review status: criteria provided, single submitter. Criteria: ACMG Guidelines, 2015. Collection method: clinical testing. Allele origin: unknown. Affected: yes. Observed: 1 variant allele.

CENTOGENE GmbH and LLC - Guiding Precision Medicine
Classification: Likely pathogenic for Noonan syndrome type 1. Review status: criteria provided, single submitter. Criteria: ACMG Guidelines, 2015. Collection method: clinical testing. Allele origin: de novo. Affected: yes.

Literature cited by the submitters: PubMed 29568093 (cited by Center for Genomic Medicine, Rigshospitalet, Copenhagen University Hospital); PubMed 15604238 (cited by 3 submitters); PubMed 19621452 (cited by Institute for Genomic Medicine (IGM) Clinical Laboratory, Nationwide Children's Hospital); PubMed 23817572 (cited by Institute for Genomic Medicine (IGM) Clinical Laboratory, Nationwide Children's Hospital and Ambry Genetics); PubMed 28328117 (cited by Institute for Genomic Medicine (IGM) Clinical Laboratory, Nationwide Children's Hospital); PubMed 28912153 (cited by Institute for Genomic Medicine (IGM) Clinical Laboratory, Nationwide Children's Hospital); PubMed 34303558 (cited by Institute for Genomic Medicine (IGM) Clinical Laboratory, Nationwide Children's Hospital); PubMed 32164789 (cited by Institute for Genomic Medicine (IGM) Clinical Laboratory, Nationwide Children's Hospital); PubMed 32806529 (cited by Institute for Genomic Medicine (IGM) Clinical Laboratory, Nationwide Children's Hospital); PubMed 30097824 (cited by Institute for Genomic Medicine (IGM) Clinical Laboratory, Nationwide Children's Hospital); PubMed 23334666 (cited by Institute for Genomic Medicine (IGM) Clinical Laboratory, Nationwide Children's Hospital); PubMed 33056981 (cited by Institute for Genomic Medicine (IGM) Clinical Laboratory, Nationwide Children's Hospital); PubMed 30523111 (cited by Institute for Genomic Medicine (IGM) Clinical Laboratory, Nationwide Children's Hospital); PubMed 26121087 (cited by Institute for Genomic Medicine (IGM) Clinical Laboratory, Nationwide Children's Hospital); PubMed 36973454 (cited by Institute for Genomic Medicine (IGM) Clinical Laboratory, Nationwide Children's Hospital); PubMed 40036726 (cited by Institute for Genomic Medicine (IGM) Clinical Laboratory, Nationwide Children's Hospital); PubMed 28966033 (cited by Institute for Genomic Medicine (IGM) Clinical Laboratory, Nationwide Children's Hospital); PubMed 29763623 (cited by Institute for Genomic Medicine (IGM) Clinical Laboratory, Nationwide Children's Hospital); PubMed 35697228 (cited by Institute for Genomic Medicine (IGM) Clinical Laboratory, Nationwide Children's Hospital); PubMed 14644997 (cited by Ambry Genetics); PubMed 14982869 (cited by Ambry Genetics); PubMed 18378677 (cited by Ambry Genetics).